The following is an entry in ClinVar:

ClinVar aggregate classification (germline): Benign. Review status: criteria provided, multiple submitters, no conflicts (2 of 4 stars). 3 submissions from 3 submitters: Benign (3). Last evaluated 2023-11-14.

Conditions:
Mendelian susceptibility to mycobacterial diseases due to complete ISG15 deficiency. Also called: Immunodeficiency 38; IMMUNODEFICIENCY 38, MYCOBACTERIOSIS, AUTOSOMAL RECESSIVE; ISG15 DEFICIENCY, AUTOSOMAL RECESSIVE; Immunodeficiency 38 with basal ganglia calcification. Identifiers: Orphanet 319563, MedGen C4015293, MONDO:0014502, OMIM 616126.

Allele frequency attached by ClinVar (database versions not stated): TOPMed 0.88816; ESP Exome Variant Server 0.88985; 1000 Genomes Project 30x 0.90037; 1000 Genomes Project 0.90296; gnomAD exomes 0.95434.

Submissions (3):

Unidad de Genómica Garrahan, Hospital de Pediatría Garrahan
Classification: Benign. Last evaluated: 2023-11-14. Review status: criteria provided, single submitter. Criteria: ACMG Guidelines, 2015. Collection method: clinical testing. Allele origin: germline. Affected: no. Observed: 87 variant alleles.
Comment: This variant is classified as Benign based on local population frequency. This variant was detected in 91% of patients studied by a panel of primary immunodeficiencies. Number of patients: 87. Only high quality variants are reported.

Genome-Nilou Lab
Classification: Benign for Mendelian susceptibility to mycobacterial diseases due to complete ISG15 deficiency. Last evaluated: 2021-07-14. Review status: criteria provided, single submitter. Criteria: ACMG Guidelines, 2015. Collection method: clinical testing. Allele origin: germline. Affected: no.

Breakthrough Genomics
Classification: Benign. Review status: criteria provided, single submitter. Criteria: ACMG Guidelines, 2015. Collection method: not provided. Allele origin: germline. Inheritance: Autosomal recessive inheritance. Affected: yes.

NM_005101.4(ISG15):c.-84C>G

Gene: ISG15 (ISG15 ubiquitin like modifier; plus strand). Cytogenetic location: 1p36.33.
Variant type: single nucleotide variant.
Coding change: c.-84C>G on transcript NM_005101.4 (MANE Select); 84 bases upstream of the start codon, C replaced by G.
Genome position (GRCh38, 1-based): chr1:1,013,490, C>G. VCF-style: chr1-1013490-C-G. GRCh37 (hg19) VCF-style: chr1-948870-C-G.
Identifiers: ClinVar variation 1185393 (VCV001185393.5), dbSNP rs4615788, ClinGen allele CA10897244.
Genomic context (GRCh38, chr1:1,013,490, plus strand): 5'-TCGGCGGCACGCCCCCTGACGTGTGTGCCTCAGGCTTATAATAGGGCCGGTGCTGCCTGC[C>G]GAAGCCGGCGGCTGAGAGGCAGCGAACTCATCTTTGCCAGTACAGGAGCTTGTGCCGTGG-3'